The following is an entry in ClinVar:

ClinVar aggregate classification (germline): Uncertain significance (1 of 4 stars; one submission).

Conditions:
PCGF2-related disorder. Also called: PCGF2-related condition.

gnomAD v4.1: 11 of 1,612,980 alleles (0.00068%); highest among the groups gnomAD compares: Middle Eastern, 0.019%; no homozygotes.

Submission:

PreventionGenetics, part of Exact Sciences
Classification: Uncertain significance for PCGF2-related condition. Last evaluated: 2025-12-19. Review status: criteria provided, single submitter. Criteria: ACMG Guidelines, 2015. Collection method: clinical testing. Allele origin: germline.
Comment: The PCGF2 c.311C>T variant is predicted to result in the amino acid substitution p.Thr104Met. To our knowledge, this variant has not been reported in the literature. This variant is reported in 0.0054% of alleles in individuals of East Asian descent in gnomAD. At this time, the clinical significance of this variant is uncertain due to the absence of conclusive functional and genetic evidence.

NM_007144.3(PCGF2):c.311C>T (p.Thr104Met)

Gene: PCGF2 (polycomb group ring finger 2; minus strand). Cytogenetic location: 17q12.
Variant type: single nucleotide variant.
Coding change: c.311C>T on transcript NM_007144.3 (MANE Select); coding-DNA position 311, C replaced by T.
Protein change: p.Thr104Met; replaces threonine 104 with methionine.
Molecular consequence: missense variant.
Genome position (GRCh38, 1-based): chr17:38,739,073, G>A on the plus strand (C>T on the coding strand, the complement: PCGF2 is on the minus strand). VCF-style: chr17-38739073-G-A. GRCh37 (hg19) VCF-style: chr17-36895326-G-A.
Other names: c.311C>T, p.Thr104Met (NM_001369614.1, NM_001369615.1); short protein forms T104M.
Identifiers: ClinVar variation 4981281 (VCV004981281.1).
Genomic context (GRCh38, chr17:38,739,073, plus strand): 5'-CCTACATGGTCCCAGGCAAGACTGTGCACACACAAACAGACGCGAGCACACTCACCCTCC[G>A]TCAGGGGGTACGCTGCATAGAAATCCCGCCGCCGTTTCATCTCATCTGGAAGAAGGCAGC-3'
Protein context (NP_009075.1, residues 94-114): RRDFYAAYPL[Thr104Met]EVPNGSNEDR